The following is an entry in ClinVar:

NM_024757.5(EHMT1):c.3035+1G>A

Gene: EHMT1 (euchromatic histone lysine methyltransferase 1; plus strand). Cytogenetic location: 9q34.3.
Variant type: single nucleotide variant.
Coding change: c.3035+1G>A on transcript NM_024757.5 (MANE Select); the canonical splice donor site of the intron after coding-DNA position 3035, G replaced by A.
Molecular consequence: splice donor variant.
Genome position (GRCh38, 1-based): chr9:137,813,174, G>A. VCF-style: chr9-137813174-G-A. GRCh37 (hg19) VCF-style: chr9-140707626-G-A.
Other names: c.3014+1G>A (NM_001354263.2).
Identifiers: ClinVar variation 3236885 (VCV003236885.1).

ClinVar aggregate classification (germline): Pathogenic (1 of 4 stars; one submission).

Conditions:
Kleefstra syndrome 1 (KLEFS1). Identifiers: Orphanet 261494, MedGen C0795833, MONDO:0027407, OMIM 610253.

Submission:

Laboratory of Genetics, Children's Clinical University Hospital Latvia
Classification: Pathogenic for Kleefstra syndrome 1. Review status: criteria provided, single submitter. Criteria: ACMG Guidelines, 2015. Collection method: curation. Allele origin: germline. Affected: yes.
Comment: Inheritance unknown

Literature cited by the submitters: PubMed 39013458.